The following is an entry in ClinVar:

ClinVar aggregate classification (germline): Pathogenic (1 of 4 stars; one submission).

Conditions:
PMM2-congenital disorder of glycosylation. Also called: CDG Ia; JAEKEN SYNDROME; PHOSPHOMANNOMUTASE 2 DEFICIENCY; CARBOHYDRATE-DEFICIENT GLYCOPROTEIN SYNDROME, TYPE Ia; Congenital disorder of glycosylation, type Ia; PMM2-CDG. Identifiers: Orphanet 79318, MedGen C0349653, MONDO:0008907, OMIM 212065.

Submission:

Labcorp Genetics (formerly Invitae), Labcorp
Classification: Pathogenic for PMM2-congenital disorder of glycosylation. Last evaluated: 2023-12-09. Review status: criteria provided, single submitter. Criteria: Invitae Variant Classification Sherloc (09022015). Collection method: clinical testing. Allele origin: unknown.
Comment: This variant is a gross deletion of the genomic region encompassing exon(s) 3-4 of the PMM2 gene. This deletion is out-of-frame, and is expected to create a premature termination codon and result in an absent or disrupted protein product. Loss-of-function variants in PMM2 are known to be pathogenic (PMID: 19862844). This variant has not been reported in the literature in individuals affected with PMM2-related conditions. For these reasons, this variant has been classified as Pathogenic.

Literature cited by the submitters: PubMed 19862844.

NC_000016.9:g.(?_8898599)_(8900284_?)del

Gene: PMM2 (phosphomannomutase 2; plus strand). Cytogenetic location: 16p13.2.
Variant type: Deletion.
Identifiers: ClinVar variation 3243364 (VCV003243364.1).